The following is an entry in ClinVar:

ClinVar aggregate classification (germline): Uncertain significance (1 of 4 stars; one submission).

Submission:

Ambry Genetics
Classification: Uncertain significance. Last evaluated: 2025-10-29. Review status: criteria provided, single submitter. Criteria: Ambry Variant Classification Scheme 2023. Collection method: clinical testing. Allele origin: germline.
Comment: The c.1630C>G (p.L544V) alteration is located in exon 13 (coding exon 13) of the ARHGAP4 gene. This alteration results from a C to G substitution at nucleotide position 1630, causing the leucine (L) at amino acid position 544 to be replaced by a valine (V). Based on data from gnomAD, the G allele has an overall frequency of <0.001% (1/182368) total alleles studied. The highest observed frequency was 0.001% (1/81449) of European (non-Finnish) alleles. Based on insufficient or conflicting evidence, the clinical significance of this alteration remains unclear.

NM_001666.5(ARHGAP4):c.1510C>G (p.Leu504Val)

Gene: ARHGAP4 (Rho GTPase activating protein 4; minus strand). Cytogenetic location: Xq28.
Variant type: single nucleotide variant.
Coding change: c.1510C>G on transcript NM_001666.5 (MANE Select); coding-DNA position 1510, C replaced by G.
Protein change: p.Leu504Val; replaces leucine 504 with valine.
Molecular consequence: missense variant.
Genome position (GRCh38, 1-based): chrX:153,912,732, G>C on the plus strand (C>G on the coding strand, the complement: ARHGAP4 is on the minus strand). VCF-style: chrX-153912732-G-C. GRCh37 (hg19) VCF-style: chrX-153178186-G-C.
Other names: c.1630C>G, p.Leu544Val (NM_001164741.2); short protein forms L544V, L504V.
Identifiers: ClinVar variation 4642456 (VCV004642456.1).